The following is an entry in ClinVar:

ClinVar aggregate classification (germline): Pathogenic (1 of 4 stars; one submission).

Conditions:
Pyruvate carboxylase deficiency. Also called: ATAXIA WITH LACTIC ACIDOSIS II; LEIGH NECROTIZING ENCEPHALOPATHY DUE TO PYRUVATE CARBOXYLASE DEFICIENCY; LEIGH SYNDROME DUE TO PYRUVATE CARBOXYLASE DEFICIENCY; PC DEFICIENCY; Pyruvate Carboxylase Deficiency Disease. Identifiers: Orphanet 3008, MedGen C0034341, MONDO:0009949, OMIM 266150.

Submission:

Labcorp Genetics (formerly Invitae), Labcorp
Classification: Pathogenic for Pyruvate carboxylase deficiency. Last evaluated: 2024-01-07. Review status: criteria provided, single submitter. Criteria: Invitae Variant Classification Sherloc (09022015). Collection method: clinical testing. Allele origin: germline.
Comment: This sequence change creates a premature translational stop signal (p.Lys1106*) in the PC gene. While this is not anticipated to result in nonsense mediated decay, it is expected to disrupt the last 73 amino acid(s) of the PC protein. This variant is not present in population databases (gnomAD no frequency). This variant has not been reported in the literature in individuals affected with PC-related conditions. This variant disrupts a region of the PC protein in which other variant(s) (p.Leu1137Valfs*34) have been determined to be pathogenic (PMID: 18676167; Invitae). This suggests that this is a clinically significant region of the protein, and that variants that disrupt it are likely to be disease-causing. For these reasons, this variant has been classified as Pathogenic.

Literature cited by the submitters: PubMed 18676167.

NM_001040716.2(PC):c.3316A>T (p.Lys1106Ter)

Gene: PC (pyruvate carboxylase; minus strand). Cytogenetic location: 11q13.2.
Variant type: single nucleotide variant.
Coding change: c.3316A>T on transcript NM_001040716.2 (MANE Select); coding-DNA position 3316, A replaced by T.
Protein change: p.Lys1106Ter; replaces lysine 1106 with a stop codon.
Molecular consequence: nonsense.
Genome position (GRCh38, 1-based): chr11:66,849,120, T>A on the plus strand (A>T on the coding strand, the complement: PC is on the minus strand). VCF-style: chr11-66849120-T-A. GRCh37 (hg19) VCF-style: chr11-66616591-T-A.
Other names: c.3316A>T, p.Lys1106Ter (NM_000920.4, NM_022172.3); short protein forms K1106*.
Identifiers: ClinVar variation 2706667 (VCV002706667.3), dbSNP rs2495382261, ClinGen allele CA381489698.
Genomic context (GRCh38, chr11:66,849,120, plus strand): 5'-CCACTTTGATGTCTATCACCTTCCCAGGCATGGGCGCCCCGATCTGGCCCTTCACGTCCT[T>A]TAGGGCCTTGGGGTGGAAGTGCATCTCCTGAAGACACAGGGCAGAGGGGACATGACATCC-3'